The following is an entry in ClinVar:

NM_001005242.3(PKP2):c.1378G>C (p.Gly460Arg)

Gene: PKP2 (plakophilin 2; minus strand). Cytogenetic location: 12p11.21.
Variant type: single nucleotide variant.
Coding change: c.1378G>C on transcript NM_001005242.3 (MANE Select); coding-DNA position 1378, G replaced by C.
Protein change: p.Gly460Arg; replaces glycine 460 with arginine.
Molecular consequence: missense variant.
Genome position (GRCh38, 1-based): chr12:32,850,766, C>G on the plus strand (G>C on the coding strand, the complement: PKP2 is on the minus strand). VCF-style: chr12-32850766-C-G. GRCh37 (hg19) VCF-style: chr12-33003700-C-G.
Other names: p.D460H:GAC>CAC; c.1378G>C, p.Asp460His (NM_004572.4); short protein forms D460H, G460R.
Identifiers: ClinVar variation 201983 (VCV000201983.2), dbSNP rs794729106, ClinGen allele CA011019.

ClinVar aggregate classification (germline): Pathogenic (1 of 4 stars; one submission).

Submission:

GeneDx
Classification: Pathogenic. Last evaluated: 2014-06-24. Review status: criteria provided, single submitter. Criteria: GeneDx Variant Classification (06012015). Collection method: clinical testing. Allele origin: germline. Affected: yes.
Comment: p.Asp460His (GAC>CAC): c.1378 G>C in exon 5 of the PKP2 gene (NM_004572.3). It has not been published as a mutation, nor has it been reported as a benign polymorphism to our knowledge. The c.1378 G>C mutation results in a missense change of codon Asp460 to a Histidine in the PKP2 gene, which alters the last base of exon 5, immediately 5' of the canonical GT" splice donor site. In silico analysis with 2 different splice algorithms predicts this mutation destroys the donor site at the exon 5/intron 5 junction of the PKP2 gene and is expected to cause abnormal gene splicing. This may lead to loss of protein function due to protein truncation or absence of protein from this allele due to mRNA decay. Furthermore, the c.1378 G>C mutation was not observed in approximately 6,500 individuals of European and African American ancestry in the NHLBI Exome Sequencing Project, indicating it is not a common benign variant in these populations. Other mutations affecting the same splicing site have been reported in association with ARVC. In summary, c.1378 G>C in the PKP2 gene is interpreted as a disease-causing mutation. The variant is found in ARRHYTHMIA panel(s)."